The following is an entry in ClinVar:

NM_001130823.3(DNMT1):c.1988C>T (p.Ala663Val)

Gene: DNMT1 (DNA methyltransferase 1; minus strand). Cytogenetic location: 19p13.2.
Variant type: single nucleotide variant.
Coding change: c.1988C>T on transcript NM_001130823.3 (MANE Select); coding-DNA position 1988, C replaced by T.
Protein change: p.Ala663Val; replaces alanine 663 with valine.
Molecular consequence: missense variant.
Genome position (GRCh38, 1-based): chr19:10,154,324, G>A on the plus strand (C>T on the coding strand, the complement: DNMT1 is on the minus strand). VCF-style: chr19-10154324-G-A. GRCh37 (hg19) VCF-style: chr19-10265000-G-A.
Other names: c.1940C>T, p.Ala647Val (NM_001318730.2, NM_001379.4); c.1625C>T, p.Ala542Val (NM_001318731.2); short protein forms A542V, A647V, A663V.
Identifiers: ClinVar variation 3639559 (VCV003639559.2).

ClinVar aggregate classification (germline): Uncertain significance (1 of 4 stars; one submission).

Conditions:
Hereditary sensory neuropathy-deafness-dementia syndrome. Also called: Hereditary Sensory and Autonomic Neuropathy Type 1E (HSAN1E); NEUROPATHY, HEREDITARY SENSORY, WITH HEARING LOSS AND DEMENTIA; HSN IE; Hereditary sensory neuropathy type IE. Identifiers: Orphanet 456318, MedGen C3279885, MONDO:0013584, OMIM 614116.

Submission:

Labcorp Genetics (formerly Invitae), Labcorp
Classification: Uncertain significance for Hereditary sensory neuropathy-deafness-dementia syndrome. Last evaluated: 2024-02-14. Review status: criteria provided, single submitter. Criteria: Invitae Variant Classification Sherloc (09022015). Collection method: clinical testing. Allele origin: germline.
Comment: This sequence change replaces alanine, which is neutral and non-polar, with valine, which is neutral and non-polar, at codon 663 of the DNMT1 protein (p.Ala663Val). This variant is not present in population databases (gnomAD no frequency). This variant has not been reported in the literature in individuals affected with DNMT1-related conditions. Advanced modeling of protein sequence and biophysical properties (such as structural, functional, and spatial information, amino acid conservation, physicochemical variation, residue mobility, and thermodynamic stability) performed at Invitae indicates that this missense variant is not expected to disrupt DNMT1 protein function with a negative predictive value of 80%. In summary, the available evidence is currently insufficient to determine the role of this variant in disease. Therefore, it has been classified as a Variant of Uncertain Significance.